The following is an entry in ClinVar:

ClinVar aggregate classification (germline): Uncertain significance (1 of 4 stars; one submission).

Conditions:
Familial cancer of breast. Also called: BREAST CANCER, FAMILIAL; Hereditary breast cancer; hereditary breast carcinoma. Identifiers: Orphanet 227535, MedGen C0346153, MONDO:0016419, OMIM 114480. Disease mechanism: loss of function.

gnomAD v4.1: 1 of 1,613,348 alleles (0.000062%); no homozygotes.

Submission:

Labcorp Genetics (formerly Invitae), Labcorp
Classification: Uncertain significance for Familial cancer of breast. Last evaluated: 2022-04-04. Review status: criteria provided, single submitter. Criteria: Invitae Variant Classification Sherloc (09022015). Collection method: clinical testing. Allele origin: germline.
Comment: This variant has not been reported in the literature in individuals affected with PALB2-related conditions. In summary, the available evidence is currently insufficient to determine the role of this variant in disease. Therefore, it has been classified as a Variant of Uncertain Significance. Algorithms developed to predict the effect of missense changes on protein structure and function are either unavailable or do not agree on the potential impact of this missense change (SIFT: "Deleterious"; PolyPhen-2: "Probably Damaging"; Align-GVGD: "Class C0"). This variant is not present in population databases (gnomAD no frequency). This sequence change replaces asparagine, which is neutral and polar, with histidine, which is basic and polar, at codon 320 of the PALB2 protein (p.Asn320His).

NM_024675.4(PALB2):c.958A>C (p.Asn320His)

Gene: PALB2 (partner and localizer of BRCA2; minus strand). Cytogenetic location: 16p12.2.
Variant type: single nucleotide variant.
Coding change: c.958A>C on transcript NM_024675.4 (MANE Select); coding-DNA position 958, A replaced by C.
Protein change: p.Asn320His; replaces asparagine 320 with histidine.
Molecular consequence: missense variant.
Genome position (GRCh38, 1-based): chr16:23,635,588, T>G on the plus strand (A>C on the coding strand, the complement: PALB2 is on the minus strand). VCF-style: chr16-23635588-T-G. GRCh37 (hg19) VCF-style: chr16-23646909-T-G.
Other names: c.898A>C, p.Asn300His (NM_001407296.1); c.958A>C, p.Asn320His (NM_001407297.1, NM_001407298.1, NM_001407299.1 and 3 more transcripts); c.73A>C, p.Asn25His (NM_001407304.1, NM_001407305.1, NM_001407306.1 and 5 more transcripts); short protein forms N320H, N25H, N300H.
Identifiers: ClinVar variation 2121261 (VCV002121261.4), dbSNP rs2142429933, ClinGen allele CA395135048.
Genomic context (GRCh38, chr16:23,635,588, plus strand): 5'-TTGCTGGTAAGTTATTGTAGGTGAGTTCATTTAGAGAACATGAAATATTTGCCTCTAAAT[T>G]AGAACTTGTGGGCAGTTGGCCACTTTTACTTATAGCTTTATTTACAAGGAGGTTATCTGT-3'
Protein context (NP_078951.2, residues 310-330): SKSGQLPTSS[Asn320His]LEANISCSLN